The following is an entry in ClinVar:

ClinVar aggregate classification (germline): Uncertain significance (1 of 4 stars; one submission).

Conditions:
Inborn genetic diseases. Identifiers: MedGen C0950123, MeSH D030342.

gnomAD v4.1: 1 of 1,614,078 alleles (0.000062%); highest among the groups gnomAD compares: East Asian, 0.0022%; no homozygotes.

Submission:

Ambry Genetics
Classification: Uncertain significance for Inborn genetic diseases. Last evaluated: 2026-06-16. Review status: criteria provided, single submitter. Criteria: Ambry Variant Classification Scheme 2023. Collection method: clinical testing. Allele origin: germline.
Comment: The p.V135L variant (also known as c.403G>C), located in coding exon 4 of the RTEL1 gene, results from a G to C substitution at nucleotide position 403. The valine at codon 135 is replaced by leucine, an amino acid with highly similar properties. This amino acid position is conserved. In addition, this alteration is predicted to be tolerated by in silico analysis. Based on the available evidence, the clinical significance of this variant remains unclear.

NM_001283009.2(RTEL1):c.403G>C (p.Val135Leu)

Genes: RTEL1 (regulator of telomere elongation helicase 1; plus strand), RTEL1-TNFRSF6B (RTEL1-TNFRSF6B readthrough (NMD candidate); plus strand). Cytogenetic location: 20q13.33.
Variant type: single nucleotide variant.
Coding change: c.403G>C on transcript NM_001283009.2 (MANE Select); coding-DNA position 403, G replaced by C.
Protein change: p.Val135Leu; replaces valine 135 with leucine.
Molecular consequence: missense variant. On other transcripts: non-coding transcript variant (1), 5 prime UTR variant (1).
Genome position (GRCh38, 1-based): chr20:63,662,553, G>C. VCF-style: chr20-63662553-G-C. GRCh37 (hg19) VCF-style: chr20-62293906-G-C.
Other names: c.-267G>C (NM_001283010.1); c.403G>C, p.Val135Leu (NM_016434.4); c.475G>C, p.Val159Leu (NM_032957.5); short protein forms V159L, V135L.
Identifiers: ClinVar variation 5028457 (VCV005028457.1).